The following is an entry in ClinVar:

NM_020822.3(KCNT1):c.2305C>T (p.Leu769Phe)

Gene: KCNT1 (potassium sodium-activated channel subfamily T member 1; plus strand). Cytogenetic location: 9q34.3.
Variant type: single nucleotide variant.
Coding change: c.2305C>T on transcript NM_020822.3 (MANE Select); coding-DNA position 2305, C replaced by T.
Protein change: p.Leu769Phe; replaces leucine 769 with phenylalanine.
Molecular consequence: missense variant.
Genome position (GRCh38, 1-based): chr9:135,775,371, C>T. VCF-style: chr9-135775371-C-T. GRCh37 (hg19) VCF-style: chr9-138667217-C-T.
Other names: c.2170C>T, p.Leu724Phe (NM_001272003.2); short protein forms L769F, L724F.
Identifiers: ClinVar variation 2952932 (VCV002952932.3), dbSNP rs1172121295, ClinGen allele CA375512330.

ClinVar aggregate classification (germline): Uncertain significance (1 of 4 stars; one submission).

Conditions:
Autosomal dominant nocturnal frontal lobe epilepsy 5. Also called: Epilepsy, nocturnal frontal lobe, 5; KCNT1-Related Epilepsy; CILIARY DYSKINESIA, PRIMARY, 28, WITHOUT SITUS INVERSUS; CILIARY DYSKINESIA, PRIMARY, 28, WITH SITUS INVERSUS. Identifiers: Orphanet 98784, MedGen C3554306, MONDO:0014002, OMIM 615005.
Developmental and epileptic encephalopathy, 14 (DEE14). Also called: Early infantile epileptic encephalopathy 14. Identifiers: Orphanet 293181, MedGen C3554195, MONDO:0013989, OMIM 614959.

gnomAD v4.1: 2 of 1,611,224 alleles (0.00012%); highest among the groups gnomAD compares: Non-Finnish European, 0.00017%; no homozygotes.

Submission:

Labcorp Genetics (formerly Invitae), Labcorp
Classification: Uncertain significance for Autosomal dominant nocturnal frontal lobe epilepsy 5; Developmental and epileptic encephalopathy, 14. Last evaluated: 2023-10-16. Review status: criteria provided, single submitter. Criteria: Invitae Variant Classification Sherloc (09022015). Collection method: clinical testing. Allele origin: germline.
Comment: This sequence change replaces leucine, which is neutral and non-polar, with phenylalanine, which is neutral and non-polar, at codon 769 of the KCNT1 protein (p.Leu769Phe). This variant is not present in population databases (gnomAD no frequency). This variant has not been reported in the literature in individuals affected with KCNT1-related conditions. Advanced modeling of protein sequence and biophysical properties (such as structural, functional, and spatial information, amino acid conservation, physicochemical variation, residue mobility, and thermodynamic stability) has been performed at Invitae for this missense variant, however the output from this modeling did not meet the statistical confidence thresholds required to predict the impact of this variant on KCNT1 protein function. In summary, the available evidence is currently insufficient to determine the role of this variant in disease. Therefore, it has been classified as a Variant of Uncertain Significance.